The following is an entry in ClinVar:

ClinVar aggregate classification (germline): Uncertain significance (1 of 4 stars; one submission).

Conditions:
Cohen syndrome (COH1). Also called: PEPPER SYNDROME; Cutis verticis gyrata, retinitis pigmentosa, and sensorineural deafness. Identifiers: Orphanet 193, MedGen C0265223, MONDO:0008999, OMIM 216550.

Submission:

Labcorp Genetics (formerly Invitae), Labcorp
Classification: Uncertain significance for Cohen syndrome. Last evaluated: 2021-08-02. Review status: criteria provided, single submitter. Criteria: Invitae Variant Classification Sherloc (09022015). Collection method: clinical testing. Allele origin: germline.
Comment: In summary, the available evidence is currently insufficient to determine the role of this variant in disease. Therefore, it has been classified as a Variant of Uncertain Significance. Algorithms developed to predict the effect of missense changes on protein structure and function output the following: SIFT: "Not Available"; PolyPhen-2: "Benign"; Align-GVGD: "Not Available". The valine amino acid residue is found in multiple mammalian species, suggesting that this missense change does not adversely affect protein function. These predictions have not been confirmed by published functional studies and their clinical significance is uncertain. This variant has not been reported in the literature in individuals with VPS13B-related conditions. This variant is not present in population databases (ExAC no frequency). This sequence change replaces methionine with valine at codon 1564 of the VPS13B protein (p.Met1564Val). The methionine residue is weakly conserved and there is a small physicochemical difference between methionine and valine.

NM_152564.5(VPS13B):c.4615A>G (p.Met1539Val)

Gene: VPS13B (vacuolar protein sorting 13 homolog B; plus strand). Cytogenetic location: 8q22.2.
Variant type: single nucleotide variant.
Coding change: c.4615A>G on transcript NM_152564.5 (MANE Select); coding-DNA position 4615, A replaced by G.
Protein change: p.Met1539Val; replaces methionine 1539 with valine.
Molecular consequence: missense variant.
Genome position (GRCh38, 1-based): chr8:99,511,494, A>G. VCF-style: chr8-99511494-A-G. GRCh37 (hg19) VCF-style: chr8-100523722-A-G.
Other names: c.4690A>G, p.Met1564Val (NM_017890.5); short protein forms M1539V, M1564V.
Identifiers: ClinVar variation 1362645 (VCV001362645.8), dbSNP rs2133638135, ClinGen allele CA371872020.